The following is an entry in ClinVar:

ClinVar aggregate classification (germline): Pathogenic. Review status: criteria provided, multiple submitters, no conflicts (2 of 4 stars). 2 submissions from 2 submitters: Pathogenic (2). Last evaluated 2025-01-09.

Conditions:
Intellectual disability. Also called: Intellectual developmental disorder; Intellectual functioning disability; intellectual disabilities. Identifiers: MedGen C3714756, MeSH D008607, MONDO:0001071, HP:0001249.

Submissions (2):

GeneDx
Classification: Pathogenic. Last evaluated: 2025-01-09. Review status: criteria provided, single submitter. Criteria: GeneDx Variant Classification Process June 2021. Collection method: clinical testing. Allele origin: germline. Affected: yes.
Comment: Identified as a de novo variant in a patient with a developmental disorder but the patient also had de novo variants in other genes (PMID: 28135719); Canonical splice site variant predicted to result in a null allele in a gene for which loss of function is a known mechanism of disease; Not observed at significant frequency in large population cohorts (gnomAD); This variant is associated with the following publications: (PMID: 33144682, 31785789, 33249554, 33057194, 35982159, 28135719)

Cambridge Genomics Laboratory, East Genomic Laboratory Hub, NHS Genomic Medicine Service
Classification: Pathogenic for Intellectual disability. Last evaluated: 2020-07-13. Review status: criteria provided, single submitter. Criteria: ACGS Best Practice Guidelines for Variant Classification in Rare Disease 2020. Collection method: clinical testing. Allele origin: germline. Affected: yes. Observed: 1 variant allele.

NM_001080517.3(SETD5):c.2347-1G>A

Gene: SETD5 (SET domain containing 5; plus strand). Cytogenetic location: 3p25.3.
Variant type: single nucleotide variant.
Coding change: c.2347-1G>A on transcript NM_001080517.3 (MANE Select); the canonical splice acceptor site of the intron before coding-DNA position 2347, G replaced by A.
Molecular consequence: splice acceptor variant.
Genome position (GRCh38, 1-based): chr3:9,453,738, G>A. VCF-style: chr3-9453738-G-A. GRCh37 (hg19) VCF-style: chr3-9495422-G-A.
Other names: c.2053-1G>A (NM_001349451.2, NM_001292043.2).
Identifiers: ClinVar variation 489078 (VCV000489078.5), dbSNP rs1553629676, ClinGen allele CA351703223.